The following is an entry in ClinVar:

NM_152296.5(ATP1A3):c.1336C>G (p.Leu446Val)

Gene: ATP1A3 (ATPase Na+/K+ transporting subunit alpha 3; minus strand). Cytogenetic location: 19q13.2.
Variant type: single nucleotide variant.
Coding change: c.1336C>G on transcript NM_152296.5 (MANE Select); coding-DNA position 1336, C replaced by G.
Protein change: p.Leu446Val; replaces leucine 446 with valine.
Molecular consequence: missense variant.
Genome position (GRCh38, 1-based): chr19:41,981,603, G>C on the plus strand (C>G on the coding strand, the complement: ATP1A3 is on the minus strand). VCF-style: chr19-41981603-G-C. GRCh37 (hg19) VCF-style: chr19-42485755-G-C.
Other names: c.1369C>G, p.Leu457Val (NM_001256213.2); c.1375C>G, p.Leu459Val (NM_001256214.2); short protein forms L446V, L457V, L459V.
Identifiers: ClinVar variation 956584 (VCV000956584.9), dbSNP rs2075232387, ClinGen allele CA406049827.
Genomic context (GRCh38, chr19:41,981,603, plus strand): 5'-TCTTGTTGCGTTCACGCATCAGCTTCACGGAGCCAGAGGACAGCTCGATGCACTTGAGCA[G>C]GGCAGACTCAGACGCATCCCCAGCCACATCCCTCTGCAAGGAGAAAGGGTTGTCAGAACA-3'
Protein context (NP_689509.1, residues 436-456): DVAGDASESA[Leu446Val]LKCIELSSGS

ClinVar aggregate classification (germline): Uncertain significance (1 of 4 stars; one submission).

Conditions:
Dystonia 12 (DYT12). Also called: DYT-ATP1A3; Rapid-Onset Dystonia-Parkinsonism (RDP). Identifiers: Orphanet 71517, MedGen C1868681, MONDO:0007496, OMIM 128235.

Submission:

Labcorp Genetics (formerly Invitae), Labcorp
Classification: Uncertain significance for Dystonia 12. Last evaluated: 2021-02-04. Review status: criteria provided, single submitter. Criteria: Invitae Variant Classification Sherloc (09022015). Collection method: clinical testing. Allele origin: germline.
Comment: Algorithms developed to predict the effect of missense changes on protein structure and function are either unavailable or do not agree on the potential impact of this missense change (SIFT: "Deleterious"; PolyPhen-2: "Possibly Damaging"; Align-GVGD: "Class C0"). This sequence change replaces leucine with valine at codon 446 of the ATP1A3 protein (p.Leu446Val). The leucine residue is highly conserved and there is a small physicochemical difference between leucine and valine. This variant is not present in population databases (ExAC no frequency). This variant has not been reported in the literature in individuals with ATP1A3-related conditions. In summary, the available evidence is currently insufficient to determine the role of this variant in disease. Therefore, it has been classified as a Variant of Uncertain Significance.